The following is an entry in ClinVar:

NM_031443.4(CCM2):c.804-12A>G

Gene: CCM2 (CCM2 scaffold protein; plus strand). Cytogenetic location: 7p13.
Variant type: single nucleotide variant.
Coding change: c.804-12A>G on transcript NM_031443.4 (MANE Select); 12 bases into the intron before coding-DNA position 804, A replaced by G.
Molecular consequence: intron variant.
Genome position (GRCh38, 1-based): chr7:45,073,448, A>G. VCF-style: chr7-45073448-A-G. GRCh37 (hg19) VCF-style: chr7-45113047-A-G.
Other names: c.927-12A>G (NM_001363458.2); c.531-12A>G (NM_001167935.2); c.753-12A>G (NM_001363459.2); c.630-12A>G (NM_001167934.2); c.867-12A>G (NM_001029835.2).
Identifiers: ClinVar variation 3668154 (VCV003668154.3).

ClinVar aggregate classification (germline): Likely benign. Review status: criteria provided, multiple submitters, no conflicts (2 of 4 stars). 2 submissions from 2 submitters: Likely benign (2). Last evaluated 2026-01-07.

Conditions:
Cerebral cavernous malformation 2. Also called: Familial Cerebral Cavernous Malformation 2. Identifiers: Orphanet 221061, MedGen C1864041, MONDO:0011304, OMIM 603284.

gnomAD v4.1: 1 of 1,605,946 alleles (0.000062%); no homozygotes.

Submissions (2):

Women's Health and Genetics/Laboratory Corporation of America, LabCorp
Classification: Likely benign. Last evaluated: 2026-01-07. Review status: criteria provided, single submitter. Criteria: LabCorp Variant Classification Summary - May 2015. Collection method: clinical testing. Allele origin: germline.
Comment: Variant summary: CCM2 c.804-12A>G alters a nucleotide located at a position not widely known to affect splicing. Consensus agreement among computation tools predict no significant impact on normal splicing. However, these predictions have yet to be confirmed by functional studies. The variant was absent in 249920 control chromosomes. The available data on variant occurrences in the general population are insufficient to allow any conclusion about variant significance. To our knowledge, no occurrence of c.804-12A>G in individuals affected with CCM2-related conditions and no experimental evidence demonstrating its impact on protein function have been reported. ClinVar contains an entry for this variant (Variation ID: 3668154). Based on the evidence outlined above, the variant was classified as likely benign.

Labcorp Genetics (formerly Invitae), Labcorp
Classification: Likely benign for Cerebral cavernous malformation 2. Last evaluated: 2025-03-03. Review status: criteria provided, single submitter. Criteria: Invitae Variant Classification Sherloc (09022015). Collection method: clinical testing. Allele origin: germline.